The following is an entry in ClinVar:

ClinVar aggregate classification (germline): Benign (0 of 4 stars; one submission).

Conditions:
CRYGA-related disorder. Also called: CRYGA-related condition.

Allele frequency attached by ClinVar (database versions not stated): ExAC 0.00101; gnomAD 0.00270; 1000 Genomes Project 0.00300; ESP Exome Variant Server 0.00308; TOPMed 0.00323; 1000 Genomes Project 30x 0.00328.
gnomAD v4.1: 890 of 1,610,812 alleles (0.055%); highest among the groups gnomAD compares: African/African-American, 1.1%; 6 homozygotes.

Submissions (2):

PreventionGenetics, part of Exact Sciences
Classification: Benign for CRYGA-related condition. Last evaluated: 2019-05-28. Review status: no assertion criteria provided. Collection method: clinical testing. Allele origin: germline.
Comment: This variant is classified as benign based on ACMG/AMP sequence variant interpretation guidelines (Richards et al. 2015 PMID: 25741868, with internal and published modifications).

Dr. Peter K. Rogan Lab, Western University
No classification provided (evidence only). Condition: Clear cell carcinoma of kidney. Review status: no classification provided. Collection method: in vitro. Allele origin: not applicable. Functional consequence: retained intron. Not counted in ClinVar's aggregate classification.

NM_014617.4(CRYGA):c.357T>A (p.Pro119=)

Gene: CRYGA (crystallin gamma A; minus strand). Cytogenetic location: 2q33.3.
Variant type: single nucleotide variant.
Coding change: c.357T>A on transcript NM_014617.4 (MANE Select); coding-DNA position 357, T replaced by A.
Protein change: p.Pro119=; no amino-acid change (proline 119 retained).
Molecular consequence: synonymous variant.
Genome position (GRCh38, 1-based): chr2:208,160,972, A>T on the plus strand (T>A on the coding strand, the complement: CRYGA is on the minus strand). VCF-style: chr2-208160972-A-T. GRCh37 (hg19) VCF-style: chr2-209025696-A-T.
Other names: NC_000002.11:g.209025696A>T.
Identifiers: ClinVar variation 3038636 (VCV003038636.3), dbSNP rs116555712, ClinGen allele CA2078280.